The following is an entry in ClinVar:

NM_001042492.3(NF1):c.6642+18A>G

Gene: NF1 (neurofibromin 1; plus strand). Cytogenetic location: 17q11.2.
Variant type: single nucleotide variant.
Coding change: c.6642+18A>G on transcript NM_001042492.3 (MANE Select); 18 bases into the intron after coding-DNA position 6642, A replaced by G.
Molecular consequence: intron variant.
Genome position (GRCh38, 1-based): chr17:31,337,600, A>G. VCF-style: chr17-31337600-A-G. GRCh37 (hg19) VCF-style: chr17-29664618-A-G.
Other names: c.6579+18A>G (NM_000267.4).
Identifiers: ClinVar variation 547676 (VCV000547676.84), dbSNP rs1555534893, ClinGen allele CA658761089.

ClinVar aggregate classification (germline): Pathogenic/Likely pathogenic. Review status: criteria provided, multiple submitters, no conflicts (2 of 4 stars). 12 submissions from 12 submitters: Pathogenic (7); Likely pathogenic (4). 1 of the submissions does not count toward it. Last evaluated 2025-10-03.

Conditions:
Juvenile myelomonocytic leukemia (JMML). Also called: LEUKEMIA, JUVENILE MYELOMONOCYTIC, SOMATIC. Identifiers: Orphanet 86834, MedGen C0349639, MONDO:0011908, OMIM 607785, HP:0012209.
Hereditary cancer-predisposing syndrome. Also called: Neoplastic Syndromes, Hereditary; Hereditary neoplastic syndrome; Tumor predisposition; Hereditary Cancer Syndrome. Identifiers: Orphanet 140162, MedGen C0027672, MeSH D009386, MONDO:0015356.
Cardiovascular phenotype. Identifiers: MedGen CN230736.
Neurofibromatosis, type 1 (NF1). Also called: NEUROFIBROMATOSIS, TYPE I, SOMATIC; Peripheral type neurofibromatosis; VON RECKLINGHAUSEN DISEASE; Neurofibromatosis, type I. Identifiers: Orphanet 636, MedGen C0027831, MONDO:0018975, OMIM 162200. Disease mechanism: loss of function.

Submissions (12):

Dasa
Classification: Pathogenic. Last evaluated: 2025-10-03. Review status: criteria provided, single submitter. Criteria: DASA Assertion Criteria. Collection method: clinical testing. Allele origin: germline.
Comment: NM_001042492.3(NF1):c.6642+18A>G introduces a premature termination codon predicted to result in loss of normal protein function. Loss-of-function is an established mechanism of disease for this gene. Functional evidence supports a deleterious effect on the gene or gene product (PMID: 23913538; PMID: 37012328). This variant has been recurrently observed in individuals with related phenotype (PMID: 23913538; PMID: 37012328). The variant is present at low frequency in population datasets. Based on the available data, this variant is classified as pathogenic.

GeneDx
Classification: Likely pathogenic. Last evaluated: 2025-07-07. Review status: criteria provided, single submitter. Criteria: GeneDx Variant Classification Process June 2021. Collection method: clinical testing. Allele origin: germline. Affected: yes.
Comment: RNA studies demonstrate a damaging effect predicted to result in a null allele (PMID: 9639526, 23913538); In silico analysis supports a deleterious effect on splicing; Not observed at significant frequency in large population cohorts (gnomAD); This variant is associated with the following publications: (PMID: 37012328, 9639526, 23913538)

Labcorp Genetics (formerly Invitae), Labcorp
Classification: Pathogenic for Neurofibromatosis, type 1. Last evaluated: 2025-06-01. Review status: criteria provided, single submitter. Criteria: Invitae Variant Classification Sherloc (09022015). Collection method: clinical testing. Allele origin: germline.
Comment: This sequence change falls in intron 42 of the NF1 gene. It does not directly change the encoded amino acid sequence of the NF1 protein. RNA analysis indicates that this variant induces altered splicing and may result in an absent or altered protein product. This variant is not present in population databases (gnomAD no frequency). This variant has been observed in individual(s) with clinical features of neurofibromatosis type 1 (PMID: 23913538; internal data). Invitae Evidence Modeling of clinical and family history, age, sex, and reported ancestry of multiple individuals with this NF1 variant has been performed. This variant is expected to be pathogenic with a positive predictive value of at least 99%. This is a validated machine learning model that incorporates the clinical features of 1,785,918 individuals referred to our laboratory for NF1 testing. ClinVar contains an entry for this variant (Variation ID: 547676). Studies have shown that this variant results in activation of a cryptic splice site, and produces a non-functional protein and/or introduces a premature termination codon (PMID: 23913538). For these reasons, this variant has been classified as Pathogenic.

Quest Diagnostics Nichols Institute San Juan Capistrano
Classification: Likely pathogenic. Last evaluated: 2025-05-21. Review status: criteria provided, single submitter. Criteria: Quest Diagnostics criteria. Collection method: clinical testing. Allele origin: unknown.
Comment: The NF1 c.6579+18A>G variant has been reported in the published literature in individuals with neurofibromatosis 1 (NF1) (PMID: 23913538 (2013)) and NF1-associated conditions (PMIDs: 37012328 (2023), 9639526 (1998)). Experimental studies indicate this variant induces aberrant NF1 mRNA splicing, resulting in the inclusion of intronic sequences that causes a frameshift and truncation of the protein product (PMIDs: 23913538 (2013), 9639526 (1998)). This variant has not been reported in large, multi-ethnic general populations (Genome Aggregation Database). Based on the available information, this variant is classified as likely pathogenic.

3billion
Classification: Pathogenic for Neurofibromatosis, type 1. Last evaluated: 2025-02-05. Review status: criteria provided, single submitter. Criteria: ACMG Guidelines, 2015. Collection method: clinical testing. Allele origin: germline. Affected: yes.
Comment: The variant is not observed in the gnomAD v4.1.0 dataset. Predicted Consequence/Location: Intron variant: previously reported to alter splicing and result in a loss of normal protein function through nonsense-mediated decay (NMD) or protein truncation (PMID: 23913538). In silico tools predict the variant to alter splicing and produce an abnormal transcript [SpliceAI: 1.00 (spliceogenicity >=0.2, non-spliceogenicity <0.1)]. Intron variant: previously reported to alter splicing and result in a loss of normal protein function through nonsense-mediated decay (NMD) or protein truncation (PMID: 23913538). Therefore, this variant is classified as Pathogenic according to the recommendation of ACMG/AMP guideline.

Institute for Genomic Medicine (IGM) Clinical Laboratory, Nationwide Children's Hospital
Classification: Pathogenic for Neurofibromatosis, type 1. Last evaluated: 2024-12-16. Review status: criteria provided, single submitter. Criteria: ACMG Guidelines, 2015. Collection method: clinical testing. Allele origin: germline.
Comment: Well-established functional studies have demonstrated this variant to have a damaging effect on protein function or splicing (ACMG/AMP: PS3; PMIDs:9639526, 23913538). This variant has been reported at an elevated frequency in affected individuals/in multiple affected individuals in the literature (ACMG/AMP: PS4_Moderate; PMIDs:9639526, 23913538, 37012328). This variant is absent from or present at an exceedingly low frequency in gnomAD, a large-scale control population database (ACMG/AMP: PM2). This variant has been reported to occur de novo in an affected individual in the literature without parental identity confirmed (ACMG/AMP: PM6; PMID:37012328).

Women's Health and Genetics/Laboratory Corporation of America, LabCorp
Classification: Pathogenic for Neurofibromatosis, type 1. Last evaluated: 2024-09-23. Review status: criteria provided, single submitter. Criteria: LabCorp Variant Classification Summary - May 2015. Collection method: clinical testing. Allele origin: germline.
Comment: Variant summary: NF1 c.6579+18A>G alters a non-conserved nucleotide located at a position not widely known to affect splicing. Computational tools predict a significant impact on normal splicing: Three predict the variant creates a cryptic 5' donor site. At least one publication reports experimental evidence that this variant affects mRNA splicing (Sabbaugh_2013). The variant was absent in 249418 control chromosomes (gnomAD). c.6579+18A>G has been reported in the literature in individuals affected with features of Neurofibromatosis Type 1 (e.g. Side_1998, Sabbaugh_2013, Zanoni_2023), including as a de novo occurrence. These data indicate that the variant is likely to be associated with disease. The following publications have been ascertained in the context of this evaluation (PMID: 23913538, 9639526, 37012328). ClinVar contains an entry for this variant (Variation ID: 547676). Based on the evidence outlined above, the variant was classified as pathogenic.

Baylor Genetics
Classification: Pathogenic for Juvenile myelomonocytic leukemia. Last evaluated: 2023-12-13. Review status: criteria provided, single submitter. Criteria: ACMG Guidelines, 2015. Collection method: clinical testing. Allele origin: unknown.

Ambry Genetics
Classification: Likely pathogenic for Cardiovascular phenotype; Hereditary cancer-predisposing syndrome. Last evaluated: 2022-07-29. Review status: criteria provided, single submitter. Criteria: Ambry Variant Classification Scheme 2023. Collection method: clinical testing. Allele origin: germline.
Comment: The c.6579+18A>G intronic variant results from an A to G substitution 18 nucleotides after coding exon 42 in the NF1 gene. Further analysis by RT-PCR followed by cDNA sequencing showed this alteration created a cryptic 5' splice site which resulted in the out of frame retention of the first 17 nucleotides of intron 42 (reported as IVS 34 - Legacy numbering in Sabbagh A et al. Hum. Mutat., 2013 Nov;34:1510-8). This nucleotide position is highly conserved in available vertebrate species. In silico splice site analysis predicts that this alteration will weaken the native splice donor site and will result in the creation or strengthening of a novel splice donor site. RNA studies have demonstrated that this alteration results in abnormal splicing in the set of samples tested (Ambry internal data). Based on the majority of available evidence to date, this variant is likely to be pathogenic.

Institute of Medical Genetics, University of Zurich
Classification: Pathogenic for Neurofibromatosis, type 1. Last evaluated: 2022-05-22. Review status: criteria provided, single submitter. Criteria: ACMG Guidelines, 2015. Collection method: clinical testing. Allele origin: de novo. Affected: yes.

Department of Pathology and Laboratory Medicine, Sinai Health System
Classification: Likely pathogenic for neurofibromatosis type 1. Review status: criteria provided, single submitter. Criteria: ACMG Guidelines, 2015. Collection method: clinical testing. Allele origin: germline.

Center for Human Genetics, Inc
Classification: Uncertain significance for Neurofibromatosis, type 1. Last evaluated: 2016-11-01. Review status: flagged submission. Criteria: ACMG Guidelines, 2015. Collection method: clinical testing. Allele origin: germline. Affected: yes. Not counted in ClinVar's aggregate classification.
ClinVar note: Reason: Older and outlier claim with insufficient supporting evidence

Literature cited by the submitters: PubMed 23913538 (cited by 5 submitters); PubMed 37012328 (cited by 3 submitters); PubMed 9639526 (cited by Institute for Genomic Medicine (IGM) Clinical Laboratory, Nationwide Children's Hospital and Women's Health and Genetics/Laboratory Corporation of America, LabCorp); PubMed 10678181 (cited by Women's Health and Genetics/Laboratory Corporation of America, LabCorp); PubMed 23460398 (cited by Women's Health and Genetics/Laboratory Corporation of America, LabCorp); PubMed 29872168 (cited by Women's Health and Genetics/Laboratory Corporation of America, LabCorp); PubMed 27069254 (cited by Women's Health and Genetics/Laboratory Corporation of America, LabCorp).